The following is an entry in ClinVar:

NM_000090.4(COL3A1):c.1662+9A>G

Gene: COL3A1 (collagen type III alpha 1 chain; plus strand). Cytogenetic location: 2q32.2.
Variant type: single nucleotide variant.
Coding change: c.1662+9A>G on transcript NM_000090.4 (MANE Select); 9 bases into the intron after coding-DNA position 1662, A replaced by G.
Molecular consequence: intron variant.
Genome position (GRCh38, 1-based): chr2:188,996,187, A>G. VCF-style: chr2-188996187-A-G. GRCh37 (hg19) VCF-style: chr2-189860913-A-G.
Identifiers: ClinVar variation 2682803 (VCV002682803.1), dbSNP rs2469134227, ClinGen allele CA2577185455.

ClinVar aggregate classification (germline): Uncertain significance (1 of 4 stars; one submission).

Submission:

Mayo Clinic Laboratories, Mayo Clinic
Classification: Uncertain significance. Last evaluated: 2022-05-20. Review status: criteria provided, single submitter. Criteria: ACMG Guidelines, 2015. Collection method: clinical testing. Allele origin: germline. Observed: 1 variant allele.
Comment: PP3, PM2_supporting